The following is an entry in ClinVar:

ClinVar aggregate classification (germline): Benign. Review status: criteria provided, single submitter (1 of 4 stars). 2 submissions from 2 submitters: Benign (1). 1 of the submissions does not count toward it. Last evaluated 2018-03-29.

Conditions:
ALDH2-related disorder. Also called: ALDH2-related condition.

Allele frequency attached by ClinVar (database versions not stated): ExAC 0.00033; TOPMed 0.00072; ESP Exome Variant Server 0.00085; gnomAD 0.00086; 1000 Genomes Project 0.00180; 1000 Genomes Project 30x 0.00187.
gnomAD v4.1: 244 of 1,613,996 alleles (0.015%); highest among the groups gnomAD compares: African/African-American, 0.27%; 1 homozygote.

Submissions (2):

Labcorp Genetics (formerly Invitae), Labcorp
Classification: Benign. Last evaluated: 2018-03-29. Review status: criteria provided, single submitter. Criteria: Invitae Variant Classification Sherloc (09022015). Collection method: clinical testing. Allele origin: germline.

PreventionGenetics, part of Exact Sciences
Classification: Likely benign for ALDH2-related condition. Last evaluated: 2019-03-01. Review status: no assertion criteria provided. Collection method: clinical testing. Allele origin: germline. Not counted in ClinVar's aggregate classification.
Comment: This variant is classified as likely benign based on ACMG/AMP sequence variant interpretation guidelines (Richards et al. 2015 PMID: 25741868, with internal and published modifications).

NM_000690.4(ALDH2):c.1323G>A (p.Thr441=)

Gene: ALDH2 (aldehyde dehydrogenase 2 family member; plus strand). Cytogenetic location: 12q24.12.
Variant type: single nucleotide variant.
Coding change: c.1323G>A on transcript NM_000690.4 (MANE Select); coding-DNA position 1323, G replaced by A.
Protein change: p.Thr441=; no amino-acid change (threonine 441 retained).
Molecular consequence: synonymous variant.
Genome position (GRCh38, 1-based): chr12:111,799,980, G>A. VCF-style: chr12-111799980-G-A. GRCh37 (hg19) VCF-style: chr12-112237784-G-A.
Other names: c.1182G>A, p.Thr394= (NM_001204889.2).
Identifiers: ClinVar variation 746328 (VCV000746328.5), dbSNP rs141556759, ClinGen allele CA6793208.